The following is an entry in ClinVar:

NM_005751.5(AKAP9):c.4604C>G (p.Pro1535Arg)

Gene: AKAP9 (A-kinase anchoring protein 9; plus strand). Cytogenetic location: 7q21.2.
Variant type: single nucleotide variant.
Coding change: c.4604C>G on transcript NM_005751.5 (MANE Select); coding-DNA position 4604, C replaced by G.
Protein change: p.Pro1535Arg; replaces proline 1535 with arginine.
Molecular consequence: missense variant.
Genome position (GRCh38, 1-based): chr7:92,038,684, C>G. VCF-style: chr7-92038684-C-G. GRCh37 (hg19) VCF-style: chr7-91667998-C-G.
Other names: c.4604C>G, p.Pro1535Arg (NM_147185.3); short protein forms P1535R.
Identifiers: ClinVar variation 1741840 (VCV001741840.3), dbSNP rs774755869, ClinGen allele CA4336596.
Genomic context (GRCh38, chr7:92,038,684, plus strand): 5'-AACCACTTAGTAAAGAGTTAGGAGAACATGGAAAGGAAATTTTATTATCAAATAGTGATC[C>G]CCATGATATACCAGAATCAAAGGACTGTGTGCTGACTATTTCAGAAGAAATGTTCTCCAA-3'
Protein context (NP_005742.4, residues 1525-1545): GKEILLSNSD[Pro1535Arg]HDIPESKDCV

ClinVar aggregate classification (germline): Uncertain significance (1 of 4 stars; one submission).

Conditions:
Cardiovascular phenotype. Identifiers: MedGen CN230736.

Allele frequency attached by ClinVar (database versions not stated): TOPMed below 0.00001; gnomAD exomes 0.00001; ExAC 0.00003.
gnomAD v4.1: 7 of 1,608,356 alleles (0.00044%); highest among the groups gnomAD compares: Non-Finnish European, 0.00059%; no homozygotes.

Submission:

Ambry Genetics
Classification: Uncertain significance for Cardiovascular phenotype. Last evaluated: 2024-11-13. Review status: criteria provided, single submitter. Criteria: Ambry Variant Classification Scheme 2023. Collection method: clinical testing. Allele origin: germline.
Comment: The p.P1535R variant (also known as c.4604C>G), located in coding exon 17 of the AKAP9 gene, results from a C to G substitution at nucleotide position 4604. The proline at codon 1535 is replaced by arginine, an amino acid with dissimilar properties. This variant was detected in a cohort with QTc prolongation; however, clinical details were not provided (Gibbs C et al. J Am Heart Assoc, 2018 Aug;7:e009706). This amino acid position is poorly conserved in available vertebrate species. In addition, this alteration is predicted to be tolerated by in silico analysis. Since supporting evidence is limited at this time, the clinical significance of this alteration remains unclear.

Literature cited by the submitters: PubMed 30369311.